The following is an entry in ClinVar:

ClinVar aggregate classification (germline): Uncertain significance (1 of 4 stars; one submission).

gnomAD v4.1: 6 of 1,614,030 alleles (0.00037%); highest among the groups gnomAD compares: Admixed American, 0.0017%; no homozygotes.

Submission:

Labcorp Genetics (formerly Invitae), Labcorp
Classification: Uncertain significance. Last evaluated: 2025-04-14. Review status: criteria provided, single submitter. Criteria: Invitae Variant Classification Sherloc (09022015). Collection method: clinical testing. Allele origin: germline.
Comment: This sequence change replaces serine, which is neutral and polar, with asparagine, which is neutral and polar, at codon 265 of the TRAK1 protein (p.Ser265Asn). This variant is present in population databases (rs767731467, gnomAD no frequency). This variant has not been reported in the literature in individuals affected with TRAK1-related conditions. ClinVar contains an entry for this variant (Variation ID: 3611820). An algorithm developed to predict the effect of missense changes on protein structure and function (PolyPhen-2) suggests that this variant is likely to be tolerated. In summary, the available evidence is currently insufficient to determine the role of this variant in disease. Therefore, it has been classified as a Variant of Uncertain Significance.

NM_001042646.3(TRAK1):c.794G>A (p.Ser265Asn)

Gene: TRAK1 (trafficking kinesin protein 1; plus strand). Cytogenetic location: 3p22.1.
Variant type: single nucleotide variant.
Coding change: c.794G>A on transcript NM_001042646.3 (MANE Select); coding-DNA position 794, G replaced by A.
Protein change: p.Ser265Asn; replaces serine 265 with asparagine.
Molecular consequence: missense variant. On other transcripts: non-coding transcript variant (1).
Genome position (GRCh38, 1-based): chr3:42,193,099, G>A. VCF-style: chr3-42193099-G-A. GRCh37 (hg19) VCF-style: chr3-42234591-G-A.
Other names: c.794G>A, p.Ser265Asn (NM_001265608.2, NM_001349246.2, NM_001349247.2); c.572G>A, p.Ser191Asn (NM_001265609.2, NM_001265610.1, NM_001349248.1 and 1 more transcripts); c.482G>A, p.Ser161Asn (NM_001349245.1); c.620G>A, p.Ser207Asn (NM_001410741.1, NM_014965.5); short protein forms S161N, S191N, S207N, S265N.
Identifiers: ClinVar variation 3611820 (VCV003611820.2).